The following is an entry in ClinVar:

ClinVar aggregate classification (germline): Uncertain significance (1 of 4 stars; one submission).

gnomAD v4.1: 1 of 1,202,245 alleles (0.000083%); highest among the groups gnomAD compares: Non-Finnish European, 0.00011%; no homozygotes.

Submission:

Labcorp Genetics (formerly Invitae), Labcorp
Classification: Uncertain significance. Last evaluated: 2025-07-14. Review status: criteria provided, single submitter. Criteria: Invitae Variant Classification Sherloc (09022015). Collection method: clinical testing. Allele origin: germline.
Comment: This sequence change replaces alanine, which is neutral and non-polar, with valine, which is neutral and non-polar, at codon 265 of the NYX protein (p.Ala265Val). This variant is not present in population databases (gnomAD no frequency). This variant has not been reported in the literature in individuals affected with NYX-related conditions. Invitae Evidence Modeling of protein sequence and biophysical properties (such as structural, functional, and spatial information, amino acid conservation, physicochemical variation, residue mobility, and thermodynamic stability) indicates that this missense variant is not expected to disrupt NYX protein function with a negative predictive value of 80%. In summary, the available evidence is currently insufficient to determine the role of this variant in disease. Therefore, it has been classified as a Variant of Uncertain Significance.

NM_001378477.3(NYX):c.779C>T (p.Ala260Val)

Gene: NYX (nyctalopin; plus strand). Cytogenetic location: Xp11.4.
Variant type: single nucleotide variant.
Coding change: c.779C>T on transcript NM_001378477.3 (MANE Select); coding-DNA position 779, C replaced by T.
Protein change: p.Ala260Val; replaces alanine 260 with valine.
Molecular consequence: missense variant.
Genome position (GRCh38, 1-based): chrX:41,474,247, C>T. VCF-style: chrX-41474247-C-T. GRCh37 (hg19) VCF-style: chrX-41333500-C-T.
Other names: c.779C>T, p.Ala260Val (NM_022567.3); short protein forms A260V.
Identifiers: ClinVar variation 4773758 (VCV004773758.1).